The following is an entry in ClinVar:

NM_003097.6(SNRPN):c.167C>T (p.Ala56Val)

Genes: SNHG14 (small nucleolar RNA host gene 14; plus strand), SNRPN (small nuclear ribonucleoprotein polypeptide N; plus strand), SNURF (SNRPN upstream open reading frame; plus strand). Cytogenetic location: 15q11.2.
Variant type: single nucleotide variant.
Coding change: c.167C>T on transcript NM_003097.6 (MANE Select); coding-DNA position 167, C replaced by T.
Protein change: p.Ala56Val; replaces alanine 56 with valine.
Molecular consequence: missense variant. On other transcripts: 3 prime UTR variant (1), intron variant (1), non-coding transcript variant (1).
Genome position (GRCh38, 1-based): chr15:24,976,316, C>T. VCF-style: chr15-24976316-C-T. GRCh37 (hg19) VCF-style: chr15-25221463-C-T.
Other names: c.167C>T, p.Ala56Val (NM_022805.5, NM_022806.5, NM_022807.5 and 99 more transcripts); c.*355C>T (NM_005678.5); c.4-561C>T (NM_001400768.1); c.179C>T, p.Ala60Val (NM_001378251.1, NM_001378252.1, NM_001378253.1 and 2 more transcripts); c.143C>T, p.Ala48Val (NM_001378256.1, NM_001378257.1, NM_001400767.1); short protein forms A48V, A56V, A60V.
Identifiers: ClinVar variation 4689307 (VCV004689307.1).

ClinVar aggregate classification (germline): Uncertain significance (1 of 4 stars; one submission).

gnomAD v4.1: 28 of 1,613,236 alleles (0.0017%); highest among the groups gnomAD compares: Middle Eastern, 0.017%; no homozygotes.

Submission:

Women's Health and Genetics/Laboratory Corporation of America, LabCorp
Classification: Uncertain significance. Last evaluated: 2026-01-27. Review status: criteria provided, single submitter. Criteria: LabCorp Variant Classification Summary - May 2015. Collection method: clinical testing. Allele origin: germline.
Comment: Variant summary: SNRPN c.167C>T (p.Ala56Val) results in a non-conservative amino acid change in the encoded protein sequence. Algorithms developed to predict the effect of missense changes on protein structure and function are either unavailable or do not agree on the potential impact of this missense change. The variant allele was found at a frequency of 2.4e-05 in 247492 control chromosomes. The available data on variant occurrences in the general population are insufficient to allow any conclusion about variant significance. To our knowledge, no occurrence of c.167C>T in individuals affected with SNRPN-related conditions and no experimental evidence demonstrating its impact on protein function have been reported. No submitters have cited clinical-significance assessments for this variant to ClinVar. Based on the evidence outlined above, the variant was classified as uncertain significance.